The following is an entry in ClinVar:

ClinVar aggregate classification (germline): Benign/Likely benign. Review status: criteria provided, multiple submitters, no conflicts (2 of 4 stars). 16 submissions from 14 submitters: Benign (12); Likely benign (1). 3 of the submissions do not count toward it. Last evaluated 2026-02-03.

Conditions:
Dyskeratosis congenita, autosomal dominant 2. Identifiers: MedGen C3151443, MONDO:0013521, OMIM 613989.
Idiopathic Pulmonary Fibrosis. Also called: Idiopathic fibrosing alveolitis, chronic form; idiopathic fibrosing alveolitis. Identifiers: Orphanet 2032, MedGen C1800706, MeSH D054990, MONDO:0800504.
Pulmonary fibrosis and/or bone marrow failure, Telomere-related, 1. Also called: PULMONARY FIBROSIS AND/OR BONE MARROW FAILURE SYNDROME, TELOMERE-RELATED, 1. Identifiers: Orphanet 88, MedGen C3553617, MONDO:0013878, OMIM 614742.
Dyskeratosis congenita. Identifiers: Orphanet 1775, MedGen C0265965, MONDO:0015780.
Aplastic anemia. Identifiers: Orphanet 182040, Orphanet 88, MedGen C0002874, MONDO:0015909, OMIM 609135, HP:0001915.

Allele frequency attached by ClinVar (database versions not stated): 1000 Genomes Project 30x 0.00656; 1000 Genomes Project 0.00719; TOPMed 0.01361; gnomAD 0.01770 and 0.01868; ESP Exome Variant Server 0.01794; ExAC 0.02013.
gnomAD v4.1: 35,812 of 1,611,298 alleles (2.2%); highest among the groups gnomAD compares: Non-Finnish European, 2.6%; 513 homozygotes.

Submissions (16):

Labcorp Genetics (formerly Invitae), Labcorp
Classification: Benign for Dyskeratosis congenita, autosomal dominant 2; Idiopathic Pulmonary Fibrosis. Last evaluated: 2026-02-03. Review status: criteria provided, single submitter. Criteria: Invitae Variant Classification Sherloc (09022015). Collection method: clinical testing. Allele origin: germline.

CeGaT Center for Human Genetics Tuebingen
Classification: Benign. Last evaluated: 2025-10-01. Review status: criteria provided, single submitter. Criteria: CeGaT Center For Human Genetics Tuebingen Variant Classification Criteria Version 2. Collection method: clinical testing. Allele origin: germline. Affected: yes. Observed: 1 variant allele.
Comment: TERT: BP4, BP7, BS1, BS2

ARUP Laboratories, Molecular Genetics and Genomics, ARUP Laboratories
Classification: Benign. Last evaluated: 2025-07-21. Review status: criteria provided, single submitter. Criteria: ARUP Molecular Germline Variant Investigation Process 2024. Collection method: clinical testing. Allele origin: germline.

Blueprint Genetics
Classification: Likely benign. Last evaluated: 2024-11-26. Review status: criteria provided, single submitter. Criteria: ACMG Guidelines, 2015. Collection method: clinical testing. Allele origin: germline.

Mayo Clinic Laboratories, Mayo Clinic
Classification: Benign. Last evaluated: 2018-10-09. Review status: criteria provided, single submitter. Criteria: ACMG Guidelines, 2015. Collection method: clinical testing. Allele origin: germline. Observed: 42 variant alleles.

Illumina Laboratory Services, Illumina
Classification: Benign for Aplastic anemia. Last evaluated: 2018-01-13. Review status: criteria provided, single submitter. Criteria: ICSL Variant Classification Criteria 13 December 2019. Collection method: clinical testing. Allele origin: germline.
Comment: This variant was observed in the ICSL laboratory as part of a predisposition screen in an ostensibly healthy population. It had not been previously curated by ICSL or reported in the Human Gene Mutation Database (HGMD: prior to June 1st, 2018), and was therefore a candidate for classification through an automated scoring system. Utilizing variant allele frequency, disease prevalence and penetrance estimates, and inheritance mode, an automated score was calculated to assess if this variant is too frequent to cause the disease. Based on the score and internal cut-off values, a variant classified as benign is not then subjected to further curation. The score for this variant resulted in a classification of benign for this disease.

Illumina Laboratory Services, Illumina
Classification: Benign for Pulmonary fibrosis and/or bone marrow failure, Telomere-related, 1. Last evaluated: 2018-01-13. Review status: criteria provided, single submitter. Criteria: ICSL Variant Classification Criteria 13 December 2019. Collection method: clinical testing. Allele origin: germline.
Comment: the same text as in the submission from Illumina Laboratory Services, Illumina above.

Illumina Laboratory Services, Illumina
Classification: Benign for Dyskeratosis congenita, autosomal dominant 2. Last evaluated: 2018-01-13. Review status: criteria provided, single submitter. Criteria: ICSL Variant Classification Criteria 13 December 2019. Collection method: clinical testing. Allele origin: germline.
Comment: the same text as in the submission from Illumina Laboratory Services, Illumina above.

Ambry Genetics
Classification: Benign for Dyskeratosis congenita. Last evaluated: 2016-04-19. Review status: criteria provided, single submitter. Criteria: Ambry Variant Classification Scheme 2023. Collection method: clinical testing. Allele origin: germline.

GeneDx
Classification: Benign. Last evaluated: 2015-03-03. Review status: criteria provided, single submitter. Criteria: GeneDx Variant Classification Process June 2021. Collection method: clinical testing. Allele origin: germline. Affected: yes.

Laboratory for Molecular Medicine, Mass General Brigham Personalized Medicine
Classification: Benign. Last evaluated: 2013-02-21. Review status: criteria provided, single submitter. Criteria: LMM Criteria. Collection method: clinical testing. Allele origin: germline. Observed: 5 variant alleles.
Comment: Pro1108Pro in exon 16 of TERT: This variant is not expected to have clinical sig nificance because it does not alter an amino acid residue and is not located wit hin the splice consensus sequence. It has been identified in 2.4% (208/8522) of European American chromosomes from a broad population by the NHLBI Exome Sequenc ing Project (dbSNP rs35033501).

Breakthrough Genomics
Classification: Benign. Review status: criteria provided, single submitter. Criteria: ACMG Guidelines, 2015. Collection method: not provided. Allele origin: germline. Inheritance: Autosomal dominant inheritance. Affected: yes.

PreventionGenetics, part of Exact Sciences
Classification: Benign. Review status: criteria provided, single submitter. Criteria: ACMG Guidelines, 2015. Collection method: clinical testing. Allele origin: germline.

Genome Diagnostics Laboratory, Amsterdam University Medical Center
Classification: Benign. Review status: no assertion criteria provided. Collection method: clinical testing. Allele origin: germline. Affected: yes. Study: VKGL Data-share Consensus. Not counted in ClinVar's aggregate classification.

Joint Genome Diagnostic Labs from Nijmegen and Maastricht, Radboudumc and MUMC+
Classification: Benign. Review status: no assertion criteria provided. Collection method: clinical testing. Allele origin: germline. Affected: yes. Study: VKGL Data-share Consensus. Not counted in ClinVar's aggregate classification.

Laboratory of Diagnostic Genome Analysis, Leiden University Medical Center (LUMC)
Classification: Benign. Review status: no assertion criteria provided. Collection method: clinical testing. Allele origin: germline. Affected: yes. Study: VKGL Data-share Consensus. Not counted in ClinVar's aggregate classification.

NM_198253.3(TERT):c.3324G>A (p.Pro1108=)

Gene: TERT (telomerase reverse transcriptase; minus strand). Cytogenetic location: 5p15.33.
Variant type: single nucleotide variant.
Coding change: c.3324G>A on transcript NM_198253.3 (MANE Select); coding-DNA position 3324, G replaced by A.
Protein change: p.Pro1108=; no amino-acid change (proline 1108 retained).
Molecular consequence: synonymous variant. On other transcripts: non-coding transcript variant (2).
Genome position (GRCh38, 1-based): chr5:1,253,803, C>T on the plus strand (G>A on the coding strand, the complement: TERT is on the minus strand). VCF-style: chr5-1253803-C-T. GRCh37 (hg19) VCF-style: chr5-1253918-C-T.
Other names: p.Pro1108=; c.3135G>A, p.Pro1045= (NM_001193376.3).
Identifiers: ClinVar variation 165375 (VCV000165375.40), dbSNP rs35033501, ClinGen allele CA178121.